The following is an entry in ClinVar:

ClinVar aggregate classification (germline): Uncertain significance. Review status: criteria provided, multiple submitters, no conflicts (2 of 4 stars). 2 submissions from 2 submitters: Uncertain significance (2). Last evaluated 2024-09-03.

Conditions:
Hereditary cancer-predisposing syndrome. Also called: Neoplastic Syndromes, Hereditary; Tumor predisposition; Hereditary Cancer Syndrome; Hereditary neoplastic syndrome. Identifiers: Orphanet 140162, MedGen C0027672, MeSH D009386, MONDO:0015356.

Submissions (2):

Ambry Genetics
Classification: Uncertain significance for Hereditary cancer-predisposing syndrome. Last evaluated: 2024-09-03. Review status: criteria provided, single submitter. Criteria: Ambry Variant Classification Scheme 2023. Collection method: clinical testing. Allele origin: germline.
Comment: The p.D515H variant (also known as c.1543G>C), located in coding exon 10 of the RAD50 gene, results from a G to C substitution at nucleotide position 1543. The aspartic acid at codon 515 is replaced by histidine, an amino acid with similar properties. This amino acid position is highly conserved in available vertebrate species. In addition, this alteration is predicted to be deleterious by in silico analysis. Since supporting evidence is limited at this time, the clinical significance of this alteration remains unclear.

Labcorp Genetics (formerly Invitae), Labcorp
Classification: Uncertain significance for Hereditary cancer-predisposing syndrome. Last evaluated: 2023-05-08. Review status: criteria provided, single submitter. Criteria: Invitae Variant Classification Sherloc (09022015). Collection method: clinical testing. Allele origin: germline.
Comment: Advanced modeling of protein sequence and biophysical properties (such as structural, functional, and spatial information, amino acid conservation, physicochemical variation, residue mobility, and thermodynamic stability) performed at Invitae indicates that this missense variant is expected to disrupt RAD50 protein function. ClinVar contains an entry for this variant (Variation ID: 484662). This variant has not been reported in the literature in individuals affected with RAD50-related conditions. This variant is not present in population databases (gnomAD no frequency). This sequence change replaces aspartic acid, which is acidic and polar, with histidine, which is basic and polar, at codon 515 of the RAD50 protein (p.Asp515His). In summary, the available evidence is currently insufficient to determine the role of this variant in disease. Therefore, it has been classified as a Variant of Uncertain Significance.

NM_005732.4(RAD50):c.1543G>C (p.Asp515His)

Gene: RAD50 (RAD50 double strand break repair protein; plus strand). Cytogenetic location: 5q31.1.
Variant type: single nucleotide variant.
Coding change: c.1543G>C on transcript NM_005732.4 (MANE Select); coding-DNA position 1543, G replaced by C.
Protein change: p.Asp515His; replaces aspartic acid 515 with histidine.
Molecular consequence: missense variant.
Genome position (GRCh38, 1-based): chr5:132,591,314, G>C. VCF-style: chr5-132591314-G-C. GRCh37 (hg19) VCF-style: chr5-131927006-G-C.
Other names: short protein forms D515H.
Identifiers: ClinVar variation 484662 (VCV000484662.9), dbSNP rs1554098409, ClinGen allele CA360945817.